The following is an entry in ClinVar:

ClinVar aggregate classification (germline): Pathogenic/Likely pathogenic. Review status: criteria provided, multiple submitters, no conflicts (2 of 4 stars). 4 submissions from 4 submitters: Pathogenic (2); Likely pathogenic (1). 1 of the submissions does not count toward it. Last evaluated 2025-08-15.

Conditions:
Mucopolysaccharidosis type 6 (MPS6). Also called: MPS 6; Maroteaux Lamy syndrome; N-ACETYLGALACTOSAMINE-4-SULFATASE DEFICIENCY; ARSB DEFICIENCY; ARYLSULFATASE B DEFICIENCY; MPS VI. Identifiers: Orphanet 583, MedGen C0026709, MONDO:0009661, OMIM 253200.

Allele frequency attached by ClinVar (database versions not stated): gnomAD exomes below 0.00001; ExAC 0.00001.
gnomAD v4.1: 4 of 1,611,972 alleles (0.00025%); highest among the groups gnomAD compares: Admixed American, 0.0017%; no homozygotes.

Submissions (4):

Labcorp Genetics (formerly Invitae), Labcorp
Classification: Pathogenic for Mucopolysaccharidosis type 6. Last evaluated: 2025-08-15. Review status: criteria provided, single submitter. Criteria: Invitae Variant Classification Sherloc (09022015). Collection method: clinical testing. Allele origin: germline.
Comment: This sequence change falls in intron 5 of the ARSB gene. It does not directly change the encoded amino acid sequence of the ARSB protein. RNA analysis indicates that this variant induces altered splicing and may result in an absent or altered protein product. This variant is present in population databases (rs431905496, gnomAD 0.003%). This variant has been observed in individuals with mucopolysaccharidosis type VI (PMID: 16435196, 18406185). ClinVar contains an entry for this variant (Variation ID: 888). Studies have shown that this variant results in skipping of exon 6, and produces a non-functional protein and/or introduces a premature termination codon (PMID: 17643332). For these reasons, this variant has been classified as Pathogenic.

Fulgent Genetics
Classification: Pathogenic for Mucopolysaccharidosis type 6. Last evaluated: 2022-03-31. Review status: criteria provided, single submitter. Criteria: ACMG Guidelines, 2015. Collection method: clinical testing. Allele origin: unknown.

Laboratory of Diagnosis and Therapy of Lysosomal Disorders, University of Padova
Classification: Likely pathogenic for Mucopolysaccharidosis type 6. Last evaluated: 2018-01-01. Review status: criteria provided, single submitter. Criteria: ACMG Guidelines, 2015. Collection method: curation. Allele origin: germline. Affected: yes.
Comment: In vitro functional studies supportive of a damaging effect on the gene product (demonstrated nonsense mediated RNA decay; low to no ARSB activity in homozygotes; PS3); Very low frequency in ExAC (PM2); Multiple lines of computational evidence support a deleterious effect on the gene product (PP3); Reputable source identifies as pathogenic (PP5)

OMIM
Classification: Pathogenic for MUCOPOLYSACCHARIDOSIS, TYPE VI. Last evaluated: 2007-09-01. Review status: no assertion criteria provided. Collection method: literature only. Allele origin: germline. Not counted in ClinVar's aggregate classification.

Literature cited by the submitters: PubMed 16435196 (cited by Labcorp Genetics (formerly Invitae), Labcorp and Laboratory of Diagnosis and Therapy of Lysosomal Disorders, University of Padova); PubMed 18406185 (cited by Labcorp Genetics (formerly Invitae), Labcorp and Laboratory of Diagnosis and Therapy of Lysosomal Disorders, University of Padova); PubMed 17643332 (cited by 3 submitters); PubMed 17458871 (cited by Laboratory of Diagnosis and Therapy of Lysosomal Disorders, University of Padova); PubMed 26910003 (cited by Laboratory of Diagnosis and Therapy of Lysosomal Disorders, University of Padova); PubMed 21791831 (cited by Laboratory of Diagnosis and Therapy of Lysosomal Disorders, University of Padova); PubMed 23458163 (cited by Laboratory of Diagnosis and Therapy of Lysosomal Disorders, University of Padova); PubMed 28649537 (cited by Laboratory of Diagnosis and Therapy of Lysosomal Disorders, University of Padova); PubMed 30118150 (cited by Laboratory of Diagnosis and Therapy of Lysosomal Disorders, University of Padova).

NM_000046.5(ARSB):c.1143-8T>G

Gene: ARSB (arylsulfatase B; minus strand). Cytogenetic location: 5q14.1.
Variant type: single nucleotide variant.
Coding change: c.1143-8T>G on transcript NM_000046.5 (MANE Select); 8 bases into the intron before coding-DNA position 1143, T replaced by G.
Molecular consequence: intron variant.
Genome position (GRCh38, 1-based): chr5:78,839,434, A>C on the plus strand (T>G on the coding strand, the complement: ARSB is on the minus strand). VCF-style: chr5-78839434-A-C. GRCh37 (hg19) VCF-style: chr5-78135257-A-C.
Other names: IVS5AS, T-G, -8; c.1143-8T>G (NM_198709.3).
Identifiers: ClinVar variation 888 (VCV000000888.11), dbSNP rs431905496, ClinGen allele CA114612.